The following is an entry in ClinVar:

NC_012920.1(MT-ATP6):m.8818C>T

Gene: MT-ATP6 (mitochondrially encoded ATP synthase 6; plus strand).
Variant type: single nucleotide variant.
Genome position: chrM-8818-C-T.
Identifiers: ClinVar variation 235705 (VCV000235705.4), dbSNP rs878853097, ClinGen allele CA10581406.

ClinVar aggregate classification (germline): Benign/Likely benign. Review status: criteria provided, multiple submitters, no conflicts (2 of 4 stars). 2 submissions from 2 submitters: Benign (1); Likely benign (1). Last evaluated 2025-02-16.

Submissions (2):

Laboratory of Genetics, Children's Clinical University Hospital Latvia
Classification: Benign. Last evaluated: 2025-02-16. Review status: criteria provided, single submitter. Criteria: ACMG Guidelines, 2015. Collection method: clinical testing. Allele origin: germline. Affected: yes.

Center for Pediatric Genomic Medicine, Children's Mercy Hospital and Clinics
Classification: Likely benign. Last evaluated: 2015-06-15. Review status: criteria provided, single submitter. Criteria: ACMG Guidelines, 2015. Collection method: clinical testing. Allele origin: germline.
ClinVar note: Converted during submission from Likely Benign to Likely benign.